The following is an entry in ClinVar:

ClinVar aggregate classification (germline): Uncertain significance (1 of 4 stars; one submission).

Conditions:
Hereditary cancer-predisposing syndrome. Also called: Tumor predisposition; Neoplastic Syndromes, Hereditary; Hereditary Cancer Syndrome; Hereditary neoplastic syndrome. Identifiers: Orphanet 140162, MedGen C0027672, MeSH D009386, MONDO:0015356.

Submission:

Ambry Genetics
Classification: Uncertain significance for Hereditary cancer-predisposing syndrome. Last evaluated: 2024-12-30. Review status: criteria provided, single submitter. Criteria: Ambry Variant Classification Scheme 2023. Collection method: clinical testing. Allele origin: germline.
Comment: The c.2320_2334del15 variant (also known as p.T774_S778del) is located in coding exon 17 of the MSH3 gene. This variant results from an in-frame ACAAAAGCTGTGAGC deletion at nucleotide positions 2320 to 2334. This results in the in-frame deletion of 5 amino acids at codon positions 774 to 778. These amino acid positions are highly conserved in available vertebrate species. In addition, this alteration is predicted to be deleterious by in silico analysis (Choi Y et al. PLoS ONE. 2012; 7(10):e46688). Since supporting evidence is limited at this time, the clinical significance of this alteration remains unclear.

NM_002439.3:c.2320_2334del15

Gene: MSH3 (mutS homolog 3; plus strand).
Variant type: Deletion.
Identifiers: ClinVar variation 3874946 (VCV003874946.1).